The following is an entry in ClinVar:

ClinVar aggregate classification (germline): Benign. Review status: criteria provided, multiple submitters, no conflicts (2 of 4 stars). 9 submissions from 9 submitters: Benign (6). 3 of the submissions do not count toward it. Last evaluated 2026-02-03.

Conditions:
Leukoencephalopathy-thalamus and brainstem anomalies-high lactate syndrome. Also called: LEUKOENCEPHALOPATHY WITH THALAMUS AND BRAINSTEM INVOLVEMENT AND HIGH LACTATE; Combined oxidative phosphorylation deficiency 12. Identifiers: Orphanet 314051, MedGen C4706421, MONDO:0013971, OMIM 614924.

Allele frequency attached by ClinVar (database versions not stated): 1000 Genomes Project 30x 0.67130; 1000 Genomes Project 0.67312; TOPMed 0.71764; gnomAD 0.72383 and 0.72406; ESP Exome Variant Server 0.73682; ExAC 0.75567; gnomAD exomes 0.75675 and 0.79098.
gnomAD v4.1: 1,264,920 of 1,613,532 alleles (78%); highest among the groups gnomAD compares: Non-Finnish European, 81%; 499,171 homozygotes.

Submissions (9):

Labcorp Genetics (formerly Invitae), Labcorp
Classification: Benign. Last evaluated: 2026-02-03. Review status: criteria provided, single submitter. Criteria: Invitae Variant Classification Sherloc (09022015). Collection method: clinical testing. Allele origin: germline.

Blueprint Genetics
Classification: Benign. Last evaluated: 2024-11-27. Review status: criteria provided, single submitter. Criteria: ACMG Guidelines, 2015. Collection method: clinical testing. Allele origin: germline.

Genome-Nilou Lab
Classification: Benign for Leukoencephalopathy-thalamus and brainstem anomalies-high lactate syndrome. Last evaluated: 2021-07-30. Review status: criteria provided, single submitter. Criteria: ACMG Guidelines, 2015. Collection method: clinical testing. Allele origin: germline. Affected: no.

Illumina Laboratory Services, Illumina
Classification: Benign for Leukoencephalopathy-thalamus and brainstem anomalies-high lactate syndrome. Last evaluated: 2018-01-12. Review status: criteria provided, single submitter. Criteria: ICSL Variant Classification Criteria 13 December 2019. Collection method: clinical testing. Allele origin: germline.
Comment: This variant was observed in the ICSL laboratory as part of a predisposition screen in an ostensibly healthy population. It had not been previously curated by ICSL or reported in the Human Gene Mutation Database (HGMD: prior to June 1st, 2018), and was therefore a candidate for classification through an automated scoring system. Utilizing variant allele frequency, disease prevalence and penetrance estimates, and inheritance mode, an automated score was calculated to assess if this variant is too frequent to cause the disease. Based on the score and internal cut-off values, a variant classified as benign is not then subjected to further curation. The score for this variant resulted in a classification of benign for this disease.

GeneDx
Classification: Benign. Last evaluated: 2013-09-05. Review status: criteria provided, single submitter. Criteria: GeneDx Variant Classification (06012015). Collection method: clinical testing. Allele origin: germline. Affected: yes.
Comment: This variant is considered likely benign or benign based on one or more of the following criteria: it is a conservative change, it occurs at a poorly conserved position in the protein, it is predicted to be benign by multiple in silico algorithms, and/or has population frequency not consistent with disease.

Breakthrough Genomics
Classification: Benign. Review status: criteria provided, single submitter. Criteria: ACMG Guidelines, 2015. Collection method: not provided. Allele origin: germline. Inheritance: Autosomal recessive inheritance. Affected: yes.

Mayo Clinic Laboratories, Mayo Clinic
Classification: Benign. Last evaluated: 2016-02-15. Review status: no assertion criteria provided. Collection method: clinical testing. Allele origin: unknown. Not counted in ClinVar's aggregate classification.

Diagnostic Laboratory, Department of Genetics, University Medical Center Groningen
Classification: Benign. Review status: no assertion criteria provided. Collection method: clinical testing. Allele origin: germline. Affected: yes. Study: VKGL Data-share Consensus. Not counted in ClinVar's aggregate classification.

Joint Genome Diagnostic Labs from Nijmegen and Maastricht, Radboudumc and MUMC+
Classification: Benign. Review status: no assertion criteria provided. Collection method: clinical testing. Allele origin: germline. Affected: yes. Study: VKGL Data-share Consensus. Not counted in ClinVar's aggregate classification.

NM_001083614.2(EARS2):c.1068-5C>T

Gene: EARS2 (glutamyl-tRNA synthetase 2, mitochondrial; minus strand). Cytogenetic location: 16p12.2.
Variant type: single nucleotide variant.
Coding change: c.1068-5C>T on transcript NM_001083614.2 (MANE Select); 5 bases into the intron before coding-DNA position 1068, C replaced by T.
Molecular consequence: intron variant.
Genome position (GRCh38, 1-based): chr16:23,529,902, G>A on the plus strand (C>T on the coding strand, the complement: EARS2 is on the minus strand). VCF-style: chr16-23529902-G-A. GRCh37 (hg19) VCF-style: chr16-23541223-G-A.
Other names: c.1068-5C>T (NM_001308211.1).
Identifiers: ClinVar variation 137185 (VCV000137185.25), dbSNP rs2072061, ClinGen allele CA290697.
Genomic context (GRCh38, chr16:23,529,902, plus strand): 5'-TCCCCACCAGCTGGCGCCTCTGGCTCTCATTGCTCACCAGCCGCTGGAGGTGCAGTCTGC[G>A]GAAGAAATCAAGGGGCTGCCCTGCTGTCAACACCCCAACCCACCCAAACCGTCTCTCCCC-3'